The following is an entry in ClinVar:

ClinVar aggregate classification (germline): Likely benign. Review status: criteria provided, multiple submitters, no conflicts (2 of 4 stars). 5 submissions from 5 submitters: Likely benign (4). 1 of the submissions does not count toward it. Last evaluated 2025-04-14.

Conditions:
LHX4-related disorder. Also called: LHX4-related condition.

Allele frequency attached by ClinVar (database versions not stated): gnomAD 0.00003; gnomAD exomes 0.00003 and 0.00005; TOPMed 0.00003; ExAC 0.00006; ESP Exome Variant Server 0.00008; 1000 Genomes Project 0.00020; 1000 Genomes Project 30x 0.00031.
gnomAD v4.1: 42 of 1,614,206 alleles (0.0026%); highest among the groups gnomAD compares: Admixed American, 0.025%; no homozygotes.

Submissions (5):

Labcorp Genetics (formerly Invitae), Labcorp
Classification: Likely benign. Last evaluated: 2025-04-14. Review status: criteria provided, single submitter. Criteria: Invitae Variant Classification Sherloc (09022015). Collection method: clinical testing. Allele origin: germline.

Women's Health and Genetics/Laboratory Corporation of America, LabCorp
Classification: Likely benign. Last evaluated: 2025-01-20. Review status: criteria provided, single submitter. Criteria: LabCorp Variant Classification Summary - May 2015. Collection method: clinical testing. Allele origin: germline.

Blueprint Genetics
Classification: Likely benign. Last evaluated: 2022-04-08. Review status: criteria provided, single submitter. Criteria: ACMG Guidelines, 2015. Collection method: clinical testing. Allele origin: germline.

Breakthrough Genomics
Classification: Likely benign. Review status: criteria provided, single submitter. Criteria: ACMG Guidelines, 2015. Collection method: not provided. Allele origin: germline. Inheritance: Autosomal dominant inheritance. Affected: yes.

PreventionGenetics, part of Exact Sciences
Classification: Likely benign for LHX4-related condition. Last evaluated: 2023-12-14. Review status: no assertion criteria provided. Collection method: clinical testing. Allele origin: germline. Not counted in ClinVar's aggregate classification.
Comment: This variant is classified as likely benign based on ACMG/AMP sequence variant interpretation guidelines (Richards et al. 2015 PMID: 25741868, with internal and published modifications).

NM_033343.4(LHX4):c.195G>A (p.Ala65=)

Gene: LHX4 (LIM homeobox 4; plus strand). Cytogenetic location: 1q25.2.
Variant type: single nucleotide variant.
Coding change: c.195G>A on transcript NM_033343.4 (MANE Select); coding-DNA position 195, G replaced by A.
Protein change: p.Ala65=; no amino-acid change (alanine 65 retained).
Molecular consequence: synonymous variant.
Genome position (GRCh38, 1-based): chr1:180,248,403, G>A. VCF-style: chr1-180248403-G-A. GRCh37 (hg19) VCF-style: chr1-180217538-G-A.
Identifiers: ClinVar variation 708304 (VCV000708304.16), dbSNP rs143798020, ClinGen allele CA1271813.